The following is an entry in ClinVar:

ClinVar aggregate classification (germline): Uncertain significance (1 of 4 stars; one submission).

Submission:

Labcorp Genetics (formerly Invitae), Labcorp
Classification: Uncertain significance. Last evaluated: 2025-07-22. Review status: criteria provided, single submitter. Criteria: Invitae Variant Classification Sherloc (09022015). Collection method: clinical testing. Allele origin: germline.
Comment: This sequence change replaces arginine, which is basic and polar, with cysteine, which is neutral and slightly polar, at codon 316 of the P4HB protein (p.Arg316Cys). This variant is present in population databases (rs763503944, gnomAD 0.003%). This variant has not been reported in the literature in individuals affected with P4HB-related conditions. Invitae Evidence Modeling of protein sequence and biophysical properties (such as structural, functional, and spatial information, amino acid conservation, physicochemical variation, residue mobility, and thermodynamic stability) indicates that this missense variant is expected to disrupt P4HB protein function with a positive predictive value of 80%. In summary, the available evidence is currently insufficient to determine the role of this variant in disease. Therefore, it has been classified as a Variant of Uncertain Significance.

NM_000918.4(P4HB):c.946C>T (p.Arg316Cys)

Gene: P4HB (prolyl 4-hydroxylase subunit beta; minus strand). Cytogenetic location: 17q25.3.
Variant type: single nucleotide variant.
Coding change: c.946C>T on transcript NM_000918.4 (MANE Select); coding-DNA position 946, C replaced by T.
Protein change: p.Arg316Cys; replaces arginine 316 with cysteine.
Molecular consequence: missense variant.
Genome position (GRCh38, 1-based): chr17:81,846,539, G>A on the plus strand (C>T on the coding strand, the complement: P4HB is on the minus strand). VCF-style: chr17-81846539-G-A. GRCh37 (hg19) VCF-style: chr17-79804415-G-A.
Other names: short protein forms R316C.
Identifiers: ClinVar variation 4774831 (VCV004774831.1).
Genomic context (GRCh38, chr17:81,846,539, plus strand): 5'-CCGTCAGCTCCTCCGATTCGGGCTTGTACTTGGTCATCTCCTCCTCCAGGGTGATGAGGC[G>A]CACGGCCGGGCACTCTTCCTTCTTCAGGCCAAAGAACTCGAGGATGCGCTGGTTGTCGGT-3'
Protein context (NP_000909.2, residues 306-326): GLKKEECPAV[Arg316Cys]LITLEEEMTK